The following is an entry in ClinVar:

ClinVar aggregate classification (germline): Likely pathogenic. Review status: criteria provided, multiple submitters, no conflicts (2 of 4 stars). 7 submissions from 7 submitters: Likely pathogenic (5). 2 of the submissions do not count toward it. Last evaluated 2025-08-08.

Conditions:
Finnish congenital nephrotic syndrome (NPHS1). Also called: NEPHROTIC SYNDROME, TYPE 1. Identifiers: Orphanet 839, MedGen C0403399, MONDO:0009732, OMIM 256300.

Allele frequency attached by ClinVar (database versions not stated): gnomAD 0.00001; ExAC 0.00002; gnomAD exomes 0.00001 and 0.00002; TOPMed 0.00003; ESP Exome Variant Server 0.00008.
gnomAD v4.1: 28 of 1,596,152 alleles (0.0018%); highest among the groups gnomAD compares: Non-Finnish European, 0.0023%; no homozygotes.

Submissions (7):

Natera, Inc.
Classification: Likely pathogenic for Finnish congenital nephrotic syndrome. Last evaluated: 2025-08-08. Review status: criteria provided, single submitter. Criteria: Natera Variant Classification Schema (03/2026). Collection method: clinical testing. Allele origin: germline.
Comment: The c.1555C>T variant in NPHS1 is a missense variant predicted to cause substitution of proline to serine at amino acid 519. This variant is rare in the general population with a frequency below the threshold expected for the associated phenotype(s). This variant has been observed in one or more individuals affected with the associated recessive disease, as either homozygous or compound heterozygous with a second variant (PMID: 30295827, 18503012, 20507940). This variant has been identified in one or more affected individual with a phenotype highly consistent with the associated gene (PMID: 30295827). Computational prediction algorithms indicate this variant is likely to affect gene or protein function. Given the available evidence, this variant is classified as Likely Pathogenic.

Fulgent Genetics
Classification: Likely pathogenic for Finnish congenital nephrotic syndrome. Last evaluated: 2024-04-22. Review status: criteria provided, single submitter. Criteria: ACMG Guidelines, 2015. Collection method: clinical testing. Allele origin: germline.

Victorian Clinical Genetics Services, Murdoch Childrens Research Institute
Classification: Likely pathogenic for Finnish congenital nephrotic syndrome. Last evaluated: 2022-02-02. Review status: criteria provided, single submitter. Criteria: ACMG Guidelines, 2015. Collection method: clinical testing. Allele origin: germline. Inheritance: Autosomal recessive inheritance. Affected: yes.
Comment: Based on the classification scheme VCGS_Germline_v1.3.4, this variant is classified as Likely pathogenic. Following criteria are met: 0102 - Loss of function is a known mechanism of disease in this gene and is associated with type 1 nephrotic syndrome (MIM#256300). (I) 0106 - This gene is associated with autosomal recessive disease. (I) 0200 - Variant is predicted to result in a missense amino acid change from proline to serine. (I) 0251 - This variant is heterozygous. (I) 0304 - Variant is present in gnomAD <0.01 for a recessive condition (v2: 3 heterozygotes, 0 homozygotes). (SP) 0309 - An alternative amino acid change at the same position has been observed in gnomAD (v2: 1 heterozygote, 0 homozygotes). (I) 0502 - Missense variant with conflicting in silico predictions and high conservation. (I) 0600 - Variant is located in the annotated CD80-like C2-set immunoglobulin domain (DECIPHER). (I) 0705 - No comparable missense variants have previous evidence for pathogenicity. (I) 0801 - This variant has strong previous evidence of pathogenicity in unrelated individuals. It has been reported in multiple individuals with congenital nephrotic syndrome in a compound heterozygous or homozygous state, including two individuals who also had the c.2072-6C>G variant on the same allele (PMIDs: 18503012, 29474669, 30295827, 20507940). (SP) 0905 - No published segregation evidence has been identified for this variant. (I) 1007 - No published functional evidence has been identified for this variant. (I) 1208 - Inheritance information for this variant is not currently available in this individual. (I) Legend: (SP) - Supporting pathogenic, (I) - Information, (SB) - Supporting benign

Myriad Genetics, Inc.
Classification: Likely pathogenic for Finnish congenital nephrotic syndrome. Last evaluated: 2021-11-18. Review status: criteria provided, single submitter. Criteria: Myriad Women's Health Autosomal Recessive and X-Linked Classification Criteria (2021). Collection method: clinical testing. Allele origin: unknown.
Comment: NM_004646.3(NPHS1):c.1555C>T(P519S) is a missense variant classified as likely pathogenic in the context of nephrotic syndrome, NPHS1-related. P519S has been observed in cases with relevant disease (PMID: 20507940, 18503012, 30295827, 29474669, 30215773, 30863911). Functional assessments of this variant are not available in the literature. P519S has been observed in population frequency databases (gnomAD: NFE 0.002%). In summary, NM_004646.3(NPHS1):c.1555C>T(P519S) is a missense variant that has been observed more frequently in cases with the relevant disease than in healthy populations. Please note: this variant was assessed in the context of healthy population screening.

Revvity Omics, Revvity
Classification: Likely pathogenic for Finnish congenital nephrotic syndrome. Last evaluated: 2021-01-13. Review status: criteria provided, single submitter. Criteria: ACMG Guidelines, 2015. Collection method: clinical testing. Allele origin: germline.

Juha Muilu Group; Institute for Molecular Medicine Finland (FIMM)
Classification: Likely pathogenic for Finnish congenital nephrotic syndrome. Review status: no assertion criteria provided. Collection method: not provided. Allele origin: unknown. Not counted in ClinVar's aggregate classification.
Comment: FinDis database variant: FinDis database variant: This variant was not found or characterized by our laboratory, data were collected from public sources: see reference
ClinVar note: Converted during submission from probable-pathogenic to Likely pathogenic.

Labcorp Genetics (formerly Invitae), Labcorp
Classification: Uncertain significance. Last evaluated: 2021-09-01. Review status: flagged submission. Criteria: Invitae Variant Classification Sherloc (09022015). Collection method: clinical testing. Allele origin: germline. Not counted in ClinVar's aggregate classification.
Comment: This sequence change replaces proline with serine at codon 519 of the NPHS1 protein (p.Pro519Ser). The proline residue is moderately conserved and there is a moderate physicochemical difference between proline and serine. This variant is present in population databases (rs386833884, ExAC 0.004%). This missense change has been observed in individuals with nephrotic syndrome (PMID: 18503012, 29474669, 30295827). ClinVar contains an entry for this variant (Variation ID: 56442). Algorithms developed to predict the effect of missense changes on protein structure and function are either unavailable or do not agree on the potential impact of this missense change (SIFT: "Tolerated"; PolyPhen-2: "Probably Damaging"; Align-GVGD: "Class C0"). In summary, the available evidence is currently insufficient to determine the role of this variant in disease. Therefore, it has been classified as a Variant of Uncertain Significance.
ClinVar note: Reason: Outlier claim with insufficient supporting evidence

Literature cited by the submitters: PubMed 30295827 (cited by 4 submitters); PubMed 18503012 (cited by 4 submitters); PubMed 20507940 (cited by 3 submitters); PubMed 29474669 (cited by 3 submitters); PubMed 30215773 (cited by Myriad Genetics, Inc.); PubMed 30863911 (cited by Myriad Genetics, Inc.).

NM_004646.4(NPHS1):c.1555C>T (p.Pro519Ser)

Gene: NPHS1 (NPHS1 adhesion molecule, nephrin; minus strand). Cytogenetic location: 19q13.12.
Variant type: single nucleotide variant.
Coding change: c.1555C>T on transcript NM_004646.4 (MANE Select); coding-DNA position 1555, C replaced by T.
Protein change: p.Pro519Ser; replaces proline 519 with serine.
Molecular consequence: missense variant.
Genome position (GRCh38, 1-based): chr19:35,846,080, G>A on the plus strand (C>T on the coding strand, the complement: NPHS1 is on the minus strand). VCF-style: chr19-35846080-G-A. GRCh37 (hg19) VCF-style: chr19-36336982-G-A.
Other names: short protein forms P519S.
Identifiers: ClinVar variation 56442 (VCV000056442.16), dbSNP rs386833884, ClinGen allele CA250125.